The following is an entry in ClinVar:

NM_001042492.3(NF1):c.4442A>T (p.Asp1481Val)

Gene: NF1 (neurofibromin 1; plus strand). Cytogenetic location: 17q11.2.
Variant type: single nucleotide variant.
Coding change: c.4442A>T on transcript NM_001042492.3 (MANE Select); coding-DNA position 4442, A replaced by T.
Protein change: p.Asp1481Val; replaces aspartic acid 1481 with valine.
Molecular consequence: missense variant.
Genome position (GRCh38, 1-based): chr17:31,260,380, A>T. VCF-style: chr17-31260380-A-T. GRCh37 (hg19) VCF-style: chr17-29587398-A-T.
Other names: c.4379A>T, p.Asp1460Val (NM_000267.4); short protein forms D1460V, D1481V.
Identifiers: ClinVar variation 4739108 (VCV004739108.1).

ClinVar aggregate classification (germline): Uncertain significance (1 of 4 stars; one submission).

Conditions:
Neurofibromatosis, type 1 (NF1). Also called: VON RECKLINGHAUSEN DISEASE; Peripheral type neurofibromatosis; NEUROFIBROMATOSIS, TYPE I, SOMATIC; Neurofibromatosis, type I. Identifiers: Orphanet 636, MedGen C0027831, MONDO:0018975, OMIM 162200. Disease mechanism: loss of function.

Submission:

Labcorp Genetics (formerly Invitae), Labcorp
Classification: Uncertain significance for Neurofibromatosis, type 1. Last evaluated: 2025-11-06. Review status: criteria provided, single submitter. Criteria: Invitae Variant Classification Sherloc (09022015). Collection method: clinical testing. Allele origin: germline.
Comment: This sequence change replaces aspartic acid, which is acidic and polar, with valine, which is neutral and non-polar, at codon 1460 of the NF1 protein (p.Asp1460Val). This variant is not present in population databases (gnomAD no frequency). This missense change has been observed in individual(s) with breast cancer (PMID: 30287823). Invitae Evidence Modeling of protein sequence and biophysical properties (such as structural, functional, and spatial information, amino acid conservation, physicochemical variation, residue mobility, and thermodynamic stability) indicates that this missense variant is expected to disrupt NF1 protein function with a positive predictive value of 95%. Algorithms developed to predict the effect of sequence changes on RNA splicing suggest that this variant may disrupt the consensus splice site. In summary, the available evidence is currently insufficient to determine the role of this variant in disease. Therefore, it has been classified as a Variant of Uncertain Significance.

Literature cited by the submitters: PubMed 30287823.